The following is an entry in ClinVar:

ClinVar aggregate classification (germline): Uncertain significance. Review status: criteria provided, multiple submitters, no conflicts (2 of 4 stars). 3 submissions from 3 submitters: Uncertain significance (2). 1 of the submissions does not count toward it. Last evaluated 2023-06-07.

Conditions:
Hypogonadotropic hypogonadism 6 with or without anosmia (HH6). Also called: FGF8-Related GnRH Deficiency (Kallmann Syndrome 6); HYPOGONADOTROPIC HYPOGONADISM 6 WITHOUT ANOSMIA; HYPOGONADOTROPIC HYPOGONADISM 6 WITH ANOSMIA. Identifiers: Orphanet 478, MedGen C3552574, MONDO:0012988, OMIM 612702.

Allele frequency attached by ClinVar (database versions not stated): gnomAD exomes 0.00002; TOPMed below 0.00001; ExAC 0.00002.

Submissions (3):

Revvity Omics, Revvity
Classification: Uncertain significance for Hypogonadotropic hypogonadism 6 with or without anosmia. Last evaluated: 2023-06-07. Review status: criteria provided, single submitter. Criteria: ACMG Guidelines, 2015. Collection method: clinical testing. Allele origin: germline.

Centre for Mendelian Genomics, University Medical Centre Ljubljana
Classification: Uncertain significance for Hypogonadotropic hypogonadism 6 with or without anosmia. Last evaluated: 2019-12-12. Review status: criteria provided, single submitter. Criteria: ACMG Guidelines, 2015. Collection method: clinical testing. Allele origin: unknown. Affected: yes.
Comment: This variant was classified as: Uncertain significance. The available evidence on this variant's pathogenicity is insufficient or conflicting. The following ACMG criteria were applied in classifying this variant: PP3,PP5.

Endocrinology Clinic, Seth G.S. Medical College
Classification: Likely pathogenic for Isolated hypogonadotropic hypogonadism. Last evaluated: 2013-05-01. Review status: no assertion criteria provided. Collection method: research. Allele origin: germline. Inheritance: Autosomal dominant inheritance. Affected: yes. Observed: 1 variant allele, 1 heterozygote. Not counted in ClinVar's aggregate classification.

Literature cited by the submitters: PubMed 23533228 (cited by Endocrinology Clinic, Seth G.S. Medical College).

NM_033163.5(FGF8):c.451G>A (p.Gly151Ser)

Gene: FGF8 (fibroblast growth factor 8; minus strand). Cytogenetic location: 10q24.32.
Variant type: single nucleotide variant.
Coding change: c.451G>A on transcript NM_033163.5 (MANE Select); coding-DNA position 451, G replaced by A.
Protein change: p.Gly151Ser; replaces glycine 151 with serine.
Molecular consequence: missense variant.
Genome position (GRCh38, 1-based): chr10:101,770,613, C>T on the plus strand (G>A on the coding strand, the complement: FGF8 is on the minus strand). VCF-style: chr10-101770613-C-T. GRCh37 (hg19) VCF-style: chr10-103530370-C-T.
Other names: c.451G>A (NM_033163.4); c.139G>A, p.Gly47Ser (NM_001206389.2); c.364G>A, p.Gly122Ser (NM_006119.6); c.418G>A, p.Gly140Ser (NM_033164.4); c.331G>A, p.Gly111Ser (NM_033165.5); short protein forms G151S, G111S, G122S, G47S, G140S.
Identifiers: ClinVar variation 140612 (VCV000140612.7), dbSNP rs606231407, ClinGen allele CA269998.